The following is an entry in ClinVar:

NM_000083.3(CLCN1):c.1583-13T>A

Gene: CLCN1 (chloride voltage-gated channel 1; plus strand). Cytogenetic location: 7q34.
Variant type: single nucleotide variant.
Coding change: c.1583-13T>A on transcript NM_000083.3 (MANE Select); 13 bases into the intron before coding-DNA position 1583, T replaced by A.
Molecular consequence: intron variant.
Genome position (GRCh38, 1-based): chr7:143,341,916, T>A. VCF-style: chr7-143341916-T-A. GRCh37 (hg19) VCF-style: chr7-143039009-T-A.
Identifiers: ClinVar variation 2504190 (VCV002504190.6), dbSNP rs2487089731, ClinGen allele CA2580614277.

ClinVar aggregate classification (germline): Conflicting classifications of pathogenicity. Review status: criteria provided, conflicting classifications (1 of 4 stars). 3 submissions from 3 submitters: Likely pathogenic (1); Uncertain significance (2). Last evaluated 2025-10-02.

Conditions:
Congenital myotonia, autosomal recessive form. Also called: BECKER DISEASE; Becker Generalized Myotonia; myotonia congenita, autosomal recessive. Identifiers: Orphanet 614, MedGen C0751360, MONDO:0009715, OMIM 255700.
Congenital myotonia, autosomal dominant form (THD). Also called: THOMSEN DISEASE; Myotonia congenita autosomal dominant. Identifiers: Orphanet 614, MedGen C2936781, MONDO:0008055, OMIM 160800.

Submissions (3):

Labcorp Genetics (formerly Invitae), Labcorp
Classification: Uncertain significance for Congenital myotonia, autosomal recessive form; Congenital myotonia, autosomal dominant form. Last evaluated: 2025-10-02. Review status: criteria provided, single submitter. Criteria: Invitae Variant Classification Sherloc (09022015). Collection method: clinical testing. Allele origin: germline.
Comment: This sequence change falls in intron 14 of the CLCN1 gene. It does not directly change the encoded amino acid sequence of the CLCN1 protein. This variant is not present in population databases (gnomAD no frequency). This variant has been observed in individual(s) with clinical features of myotonia congenita (internal data). In at least one individual the data is consistent with being in trans (on the opposite chromosome) from a pathogenic variant. ClinVar contains an entry for this variant (Variation ID: 2504190). Algorithms developed to predict the effect of sequence changes on RNA splicing suggest that this variant may disrupt the consensus splice site. In summary, the available evidence is currently insufficient to determine the role of this variant in disease. Therefore, it has been classified as a Variant of Uncertain Significance.

Blueprint Genetics
Classification: Uncertain significance. Last evaluated: 2024-05-23. Review status: criteria provided, single submitter. Criteria: ACMG Guidelines, 2015. Collection method: clinical testing. Allele origin: germline.

GeneDx
Classification: Likely pathogenic. Last evaluated: 2024-04-12. Review status: criteria provided, single submitter. Criteria: GeneDx Variant Classification Process June 2021. Collection method: clinical testing. Allele origin: germline. Affected: yes.
Comment: Not observed at significant frequency in large population cohorts (gnomAD); In silico analysis supports a deleterious effect on splicing; Has not been previously published as pathogenic or benign to our knowledge